The following is an entry in ClinVar:

NM_016169.4(SUFU):c.911A>G (p.Asp304Gly)

Gene: SUFU (SUFU negative regulator of hedgehog signaling; plus strand). Cytogenetic location: 10q24.32.
Variant type: single nucleotide variant.
Coding change: c.911A>G on transcript NM_016169.4 (MANE Select); coding-DNA position 911, A replaced by G.
Protein change: p.Asp304Gly; replaces aspartic acid 304 with glycine.
Molecular consequence: missense variant.
Genome position (GRCh38, 1-based): chr10:102,599,433, A>G. VCF-style: chr10-102599433-A-G. GRCh37 (hg19) VCF-style: chr10-104359190-A-G.
Other names: c.911A>G, p.Asp304Gly (NM_001178133.2); short protein forms D304G.
Identifiers: ClinVar variation 3323549 (VCV003323549.1).
Genomic context (GRCh38, chr10:102,599,433, plus strand): 5'-CGGGGTGAGAATTGCTGGGAGCCCACTGGGCCACTGGGCAACTTAGTGGTGTCGTTGCAG[A>G]CACAGAGCAGATCCGGGAGACCCTGAGGAGAGGACTCGAGATCAACAGCAAACCTGTCCT-3'
Protein context (NP_057253.2, residues 294-314): GTQPRRLSGK[Asp304Gly]TEQIRETLRR

ClinVar aggregate classification (germline): Uncertain significance (1 of 4 stars; one submission).

Conditions:
Hereditary cancer-predisposing syndrome. Also called: Neoplastic Syndromes, Hereditary; Tumor predisposition; Hereditary neoplastic syndrome; Hereditary Cancer Syndrome. Identifiers: Orphanet 140162, MedGen C0027672, MeSH D009386, MONDO:0015356.

gnomAD v4.1: 1 of 1,613,646 alleles (0.000062%); highest among the groups gnomAD compares: Non-Finnish European, 0.000085%; no homozygotes.

Submission:

Ambry Genetics
Classification: Uncertain significance for Hereditary cancer-predisposing syndrome. Last evaluated: 2024-05-02. Review status: criteria provided, single submitter. Criteria: Ambry Variant Classification Scheme 2023. Collection method: clinical testing. Allele origin: germline.
Comment: The p.D304G variant (also known as c.911A>G) is located in coding exon 8 of the SUFU gene. The aspartic acid at codon 304 is replaced by glycine, an amino acid with similar properties. This change occurs in the first base pair of coding exon 8. This amino acid position is conserved. In addition, the in silico prediction for this alteration is inconclusive. Based on the available evidence, the clinical significance of this variant remains unclear.